The following is an entry in ClinVar:

ClinVar aggregate classification (germline): Uncertain significance (1 of 4 stars; one submission).

gnomAD v4.1: 1 of 1,610,394 alleles (0.000062%); highest among the groups gnomAD compares: Non-Finnish European, 0.000085%; no homozygotes.

Submission:

GeneDx
Classification: Uncertain significance. Last evaluated: 2025-08-11. Review status: criteria provided, single submitter. Criteria: GeneDx Variant Classification Process June 2021. Collection method: clinical testing. Allele origin: germline. Affected: yes.
Comment: Not observed at significant frequency in large population cohorts (gnomAD); In silico analysis supports that this missense variant has a deleterious effect on protein structure/function; Has not been previously published as pathogenic or benign to our knowledge

NM_138927.4(SON):c.6490C>T (p.Pro2164Ser)

Gene: SON (SON DNA and RNA binding protein; plus strand). Cytogenetic location: 21q22.11.
Variant type: single nucleotide variant.
Coding change: c.6490C>T on transcript NM_138927.4 (MANE Select); coding-DNA position 6490, C replaced by T.
Protein change: p.Pro2164Ser; replaces proline 2164 with serine.
Molecular consequence: missense variant. On other transcripts: non-coding transcript variant (1).
Genome position (GRCh38, 1-based): chr21:33,559,608, C>T. VCF-style: chr21-33559608-C-T. GRCh37 (hg19) VCF-style: chr21-34931914-C-T.
Other names: c.574C>T, p.Pro192Ser (NM_001291412.3); c.6490C>T, p.Pro2164Ser (NM_032195.3); short protein forms P192S, P2164S.
Identifiers: ClinVar variation 4795577 (VCV004795577.1).